The following is an entry in ClinVar:

ClinVar aggregate classification (germline): Benign (1 of 4 stars; one submission).

Allele frequency attached by ClinVar (database versions not stated): 1000 Genomes Project 0.21745; 1000 Genomes Project 30x 0.21846; TOPMed 0.21981; gnomAD 0.22002 and 0.22159; gnomAD exomes 0.24375.
gnomAD v4.1: 69,471 of 297,484 alleles (23%); highest among the groups gnomAD compares: Middle Eastern, 32%; 8,906 homozygotes.

Submission:

GeneDx
Classification: Benign. Last evaluated: 2018-06-14. Review status: criteria provided, single submitter. Criteria: GeneDx Variant Classification (06012015). Collection method: clinical testing. Allele origin: germline. Affected: yes.
Comment: This variant is considered likely benign or benign based on one or more of the following criteria: it is a conservative change, it occurs at a poorly conserved position in the protein, it is predicted to be benign by multiple in silico algorithms, and/or has population frequency not consistent with disease.

NM_144670.6(A2ML1):c.3264+271A>G

Gene: A2ML1 (alpha-2-macroglobulin like 1; plus strand). Cytogenetic location: 12p13.31.
Variant type: single nucleotide variant.
Coding change: c.3264+271A>G on transcript NM_144670.6 (MANE Select); 271 bases into the intron after coding-DNA position 3264, A replaced by G.
Molecular consequence: intron variant.
Genome position (GRCh38, 1-based): chr12:8,858,373, A>G. VCF-style: chr12-8858373-A-G. GRCh37 (hg19) VCF-style: chr12-9010969-A-G.
Other names: c.1791+271A>G (NM_001282424.3).
Identifiers: ClinVar variation 561811 (VCV000561811.1), dbSNP rs11610808, ClinGen allele CA13642188.